The following is an entry in ClinVar:

ClinVar aggregate classification (germline): Uncertain significance (1 of 4 stars; one submission).

gnomAD v4.1: 2 of 1,609,158 alleles (0.00012%); highest among the groups gnomAD compares: East Asian, 0.0022%; no homozygotes.

Submission:

Laboratory for Molecular Medicine, Mass General Brigham Personalized Medicine
Classification: Uncertain significance. Last evaluated: 2014-09-17. Review status: criteria provided, single submitter. Criteria: LMM Criteria. Collection method: clinical testing. Allele origin: germline. Observed: 1 variant allele.
Comment: The Asn1138Ser variant in LAMA4 has not been previously reported in individuals with cardiomyopathy or in large population studies. Computational prediction too ls and conservation analysis do not provide strong support for or against an imp act to the protein. Computational splicing tools suggest this variant may lead t o the creation of a novel 3' splice site, however the accuracy of these tools is unknown. In summary, the clinical significance of the Asn1138Ser variant is unc ertain.

NM_001105206.3(LAMA4):c.3434A>G (p.Asn1145Ser)

Gene: LAMA4 (laminin subunit alpha 4; minus strand). Cytogenetic location: 6q21.
Variant type: single nucleotide variant.
Coding change: c.3434A>G on transcript NM_001105206.3 (MANE Select); coding-DNA position 3434, A replaced by G.
Protein change: p.Asn1145Ser; replaces asparagine 1145 with serine.
Molecular consequence: missense variant.
Genome position (GRCh38, 1-based): chr6:112,134,590, T>C on the plus strand (A>G on the coding strand, the complement: LAMA4 is on the minus strand). VCF-style: chr6-112134590-T-C. GRCh37 (hg19) VCF-style: chr6-112455792-T-C.
Other names: c.3413A>G, p.Asn1138Ser (NM_001105207.3, NM_002290.5); short protein forms N1138S, N1145S.
Identifiers: ClinVar variation 180022 (VCV000180022.4), dbSNP rs377528058, ClinGen allele CA185654.